The following is an entry in ClinVar:

ClinVar aggregate classification (germline): Uncertain significance (1 of 4 stars; one submission).

Submission:

GeneDx
Classification: Uncertain significance. Last evaluated: 2023-07-25. Review status: criteria provided, single submitter. Criteria: GeneDx Variant Classification Process June 2021. Collection method: clinical testing. Allele origin: germline. Affected: yes.
Comment: Not observed at significant frequency in large population cohorts (gnomAD); Has not been previously published as pathogenic or benign to our knowledge; Frameshift variant predicted to result in protein truncation, as the last 128 amino acids are replaced with 88 different amino acids in a gene for which loss-of-function is not an established mechanism of disease

NM_006133.3(DAGLA):c.2743del (p.Glu915fs)

Gene: DAGLA (diacylglycerol lipase alpha; plus strand). Cytogenetic location: 11q12.2.
Variant type: Deletion.
Coding change: c.2743del on transcript NM_006133.3 (MANE Select); coding-DNA position 2743, one base deleted (G; older notation c.2743delG).
Protein change: p.Glu915fs; shifts the reading frame from glutamic acid 915.
Molecular consequence: frameshift variant.
Genome position (GRCh38, 1-based): chr11:61,744,103, G deleted. VCF-style (leftmost placement, unchanged base first): chr11-61744102-CG-C. GRCh37 (hg19) VCF-style: chr11-61511574-CG-C.
Other names: short protein forms E915fs.
Identifiers: ClinVar variation 3361661 (VCV003361661.1).
Genomic context (GRCh38, chr11:61,744,102, plus strand): 5'-GCTGGCGCTGCACAATGGGCGCCTGGGGGACTCGCCCAGTCCTCAGGTGCTGGAATTCGC[CG>C]AGTTCATCGACAGCCTCTTCAACCTGGACAGCAAGAGCAGCTCCTTCCAAGACCTCTACT-3'